The following is an entry in ClinVar:

ClinVar aggregate classification (germline): Likely pathogenic (1 of 4 stars; one submission).

Allele frequency attached by ClinVar (database versions not stated): gnomAD exomes below 0.00001.
gnomAD v4.1: 1 of 1,614,134 alleles (0.000062%); highest among the groups gnomAD compares: South Asian, 0.0011%; no homozygotes.

Submission:

GeneDx
Classification: Likely pathogenic. Last evaluated: 2017-06-09. Review status: criteria provided, single submitter. Criteria: GeneDx Variant Classification (06012015). Collection method: clinical testing. Allele origin: germline. Affected: yes.
Comment: The G2724W variant in the BRCA2 gene has not been reported previously as a pathogenic variant, nor as a benign variant, to our knowledge. This variant was not observed in large population cohorts (Lek et al., 2016; 1000 Genomes Consortium et al., 2015; Exome Variant Server). The G2724W variant is a semi-conservative amino acid substitution, which may impact secondary protein structure as these residues differ in some properties. This substitution is conserved across species, and occurs within the DNA binding domain and DSS1 contacting residue (Yang et al., 2002). In silico analysis predicts this variant is probably damaging to the protein structure/function. Based on currently available evidence, we consider G2724W to be a likely pathogenic variant.

NM_000059.4(BRCA2):c.8170G>T (p.Gly2724Trp)

Gene: BRCA2 (BRCA2 DNA repair associated; plus strand). Cytogenetic location: 13q13.1.
Variant type: single nucleotide variant.
Coding change: c.8170G>T on transcript NM_000059.4 (MANE Select); coding-DNA position 8170, G replaced by T.
Protein change: p.Gly2724Trp; replaces glycine 2724 with tryptophan.
Molecular consequence: missense variant.
Genome position (GRCh38, 1-based): chr13:32,363,372, G>T. VCF-style: chr13-32363372-G-T. GRCh37 (hg19) VCF-style: chr13-32937509-G-T.
Other names: short protein forms G2724W.
Identifiers: ClinVar variation 381831 (VCV000381831.2), dbSNP rs1057521184, ClinGen allele CA16607488.